The following is an entry in ClinVar:

ClinVar aggregate classification (germline): Likely benign (1 of 4 stars; one submission).

Allele frequency attached by ClinVar (database versions not stated): gnomAD exomes 0.00004 and 0.00005; gnomAD 0.00009 and 0.00011; TOPMed 0.00020; ExAC 0.00023; 1000 Genomes Project 30x 0.00031.
gnomAD v4.1: 76 of 1,483,896 alleles (0.0051%); highest among the groups gnomAD compares: Admixed American, 0.041%; 1 homozygote.

Submission:

GeneDx
Classification: Likely benign. Last evaluated: 2017-03-27. Review status: criteria provided, single submitter. Criteria: GeneDx Variant Classification (06012015). Collection method: clinical testing. Allele origin: germline. Affected: yes.
Comment: This variant is considered likely benign or benign based on one or more of the following criteria: it is a conservative change, it occurs at a poorly conserved position in the protein, it is predicted to be benign by multiple in silico algorithms, and/or has population frequency not consistent with disease.

NM_152490.5(B3GALNT2):c.-30G>A

Gene: B3GALNT2 (beta-1,3-N-acetylgalactosaminyltransferase 2; minus strand). Cytogenetic location: 1q42.3.
Variant type: single nucleotide variant.
Coding change: c.-30G>A on transcript NM_152490.5 (MANE Select); 30 bases upstream of the start codon, G replaced by A.
Molecular consequence: 5 prime UTR variant.
Genome position (GRCh38, 1-based): chr1:235,504,282, C>T on the plus strand (G>A on the coding strand, the complement: B3GALNT2 is on the minus strand). VCF-style: chr1-235504282-C-T. GRCh37 (hg19) VCF-style: chr1-235667582-C-T.
Other names: c.-30G>A (NM_001277155.3).
Identifiers: ClinVar variation 508269 (VCV000508269.1), dbSNP rs753576330, ClinGen allele CA1465036.